The following is an entry in ClinVar:

NM_005876.5(SPEG):c.3696C>A (p.Asp1232Glu)

Gene: SPEG (striated muscle enriched protein kinase; plus strand). Cytogenetic location: 2q35.
Variant type: single nucleotide variant.
Coding change: c.3696C>A on transcript NM_005876.5 (MANE Select); coding-DNA position 3696, C replaced by A.
Protein change: p.Asp1232Glu; replaces aspartic acid 1232 with glutamic acid.
Molecular consequence: missense variant.
Genome position (GRCh38, 1-based): chr2:219,469,360, C>A. VCF-style: chr2-219469360-C-A. GRCh37 (hg19) VCF-style: chr2-220334082-C-A.
Other names: short protein forms D1232E.
Identifiers: ClinVar variation 1929095 (VCV001929095.5), dbSNP rs751738051, ClinGen allele CA350749651.

ClinVar aggregate classification (germline): Uncertain significance (1 of 4 stars; one submission).

gnomAD v4.1: 1 of 1,613,580 alleles (0.000062%); highest among the groups gnomAD compares: Admixed American, 0.0017%; no homozygotes.

Submission:

Labcorp Genetics (formerly Invitae), Labcorp
Classification: Uncertain significance. Last evaluated: 2022-07-13. Review status: criteria provided, single submitter. Criteria: Invitae Variant Classification Sherloc (09022015). Collection method: clinical testing. Allele origin: germline.
Comment: This variant is not present in population databases (gnomAD no frequency). This sequence change replaces aspartic acid, which is acidic and polar, with glutamic acid, which is acidic and polar, at codon 1232 of the SPEG protein (p.Asp1232Glu). This variant has not been reported in the literature in individuals affected with SPEG-related conditions. Algorithms developed to predict the effect of missense changes on protein structure and function output the following: SIFT: "Tolerated"; PolyPhen-2: "Benign"; Align-GVGD: "Class C0". The glutamic acid amino acid residue is found in multiple mammalian species, which suggests that this missense change does not adversely affect protein function. In summary, the available evidence is currently insufficient to determine the role of this variant in disease. Therefore, it has been classified as a Variant of Uncertain Significance.